The following is an entry in ClinVar:

NM_021625.5(TRPV4):c.33G>T (p.Gly11=)

Gene: TRPV4 (transient receptor potential cation channel subfamily V member 4; minus strand). Cytogenetic location: 12q24.11.
Variant type: single nucleotide variant.
Coding change: c.33G>T on transcript NM_021625.5 (MANE Select); coding-DNA position 33, G replaced by T.
Protein change: p.Gly11=; no amino-acid change (glycine 11 retained).
Molecular consequence: synonymous variant.
Genome position (GRCh38, 1-based): chr12:109,814,764, C>A on the plus strand (G>T on the coding strand, the complement: TRPV4 is on the minus strand). VCF-style: chr12-109814764-C-A. GRCh37 (hg19) VCF-style: chr12-110252569-C-A.
Other names: p.Gly11=; c.33G>T, p.Gly11= (NM_147204.3, NM_001177428.2, NM_001177431.2 and 1 more transcripts).
Identifiers: ClinVar variation 195368 (VCV000195368.73), dbSNP rs56092423, ClinGen allele CA201698.

ClinVar aggregate classification (germline): Benign/Likely benign. Review status: criteria provided, multiple submitters, no conflicts (2 of 4 stars). 20 submissions from 15 submitters: Benign (17); Likely benign (1). 2 of the submissions do not count toward it. Last evaluated 2026-09-01.

Conditions:
Connective tissue disorder. Also called: Connective tissue disease. Identifiers: MedGen C0009782, MONDO:0003900.
Inborn genetic diseases. Identifiers: MedGen C0950123, MeSH D030342.
Charcot-Marie-Tooth disease. Also called: Charcot-Marie-Tooth Hereditary Neuropathy; Charcot-Marie-Tooth Neuropathy. Identifiers: Orphanet 166, MedGen C0007959, MONDO:0015626.
Scapuloperoneal spinal muscular atrophy (SPSMA). Also called: Scapuloperoneal Spinal Muscular Atrophy, TRPV4-Related; AMYOTROPHY, NEUROGENIC SCAPULOPERONEAL, NEW ENGLAND TYPE; Scapuloperoneal Form of Spinal Muscular Atrophy; Scapuloperoneal spinal muscular atrophy, autosomal dominant. Identifiers: Orphanet 431255, MedGen C0751335, MONDO:0008408, OMIM 181405.
Neuronopathy, distal hereditary motor, autosomal dominant 8. Also called: Autosomal dominant congenital benign spinal muscular atrophy; NEURONOPATHY, DISTAL HEREDITARY MOTOR, TYPE VIII; NEUROPATHY, DISTAL HEREDITARY MOTOR, TYPE VIII; SPINAL MUSCULAR ATROPHY, CONGENITAL BENIGN, WITH CONTRACTURES. Identifiers: Orphanet 1216, MedGen C1838492, MONDO:0010839, OMIM 600175.
Brachyrachia (short spine dysplasia) (BCYM3). Also called: Brachyolmia, TRPV4-Related; Autosomal dominant brachyolmia; BRACHYRACHIA; Brachyolmia Type 3. Identifiers: Orphanet 93304, MedGen C0432227, MONDO:0007232, OMIM 113500.
Charcot-Marie-Tooth disease axonal type 2C (HMSN2C). Also called: Charcot-Marie-Tooth Disease Type 2, TRPV4-Related (CMT2C); CHARCOT-MARIE-TOOTH DISEASE, AXONAL, AUTOSOMAL DOMINANT, TYPE 2C; Charcot-Marie-Tooth Neuropathy Type 2C. Identifiers: Orphanet 99937, MedGen C1853710, MONDO:0011633, OMIM 606071.
Spondylometaphyseal dysplasia, Kozlowski type (SMDK). Also called: Spondylometaphyseal Dysplasia, TRPV4-Related (Kozlowski Type); Dysmorphism arthrogryposis skeletal maturation advanced; Jequier-Kozlowski syndrome; Skeletal dysplasia Jequier-Kozlowski type; SMD Kozlowski type. Identifiers: Orphanet 93314, MedGen C0265280, MONDO:0008477, OMIM 184252.
Metatropic dysplasia (MTD). Also called: Metatropic Dysplasia, TRPV4-Related; METATROPIC DWARFISM; Metatropic dysplasia, nonlethal dominant. Identifiers: Orphanet 2635, MedGen C0265281, MONDO:0007986, OMIM 156530.

Allele frequency attached by ClinVar (database versions not stated): 1000 Genomes Project 0.00240; 1000 Genomes Project 30x 0.00250; TOPMed 0.00710; gnomAD exomes 0.00861 and 0.01113; ESP Exome Variant Server 0.00882; gnomAD 0.00903 and 0.00939; ExAC 0.01380.
gnomAD v4.1: 16,858 of 1,559,314 alleles (1.1%); highest among the groups gnomAD compares: Non-Finnish European, 1.3%; 114 homozygotes.

Submissions (20):

CeGaT Center for Human Genetics Tuebingen
Classification: Benign. Last evaluated: 2026-09-01. Review status: criteria provided, single submitter. Criteria: CeGaT Center For Human Genetics Tuebingen Variant Classification Criteria Version 2. Collection method: clinical testing. Allele origin: germline. Affected: yes. Observed: 77 variant alleles.
Comment: TRPV4: BP4, BP7, BS1, BS2

Labcorp Genetics (formerly Invitae), Labcorp
Classification: Benign for Charcot-Marie-Tooth disease axonal type 2C. Last evaluated: 2026-02-02. Review status: criteria provided, single submitter. Criteria: Invitae Variant Classification Sherloc (09022015). Collection method: clinical testing. Allele origin: germline.

ARUP Laboratories, Molecular Genetics and Genomics, ARUP Laboratories
Classification: Benign. Last evaluated: 2024-04-29. Review status: criteria provided, single submitter. Criteria: ARUP Molecular Germline Variant Investigation Process 2024. Collection method: clinical testing. Allele origin: germline.

Genome Diagnostics Laboratory, The Hospital for Sick Children
Classification: Benign for Connective tissue disorder. Last evaluated: 2022-03-18. Review status: criteria provided, single submitter. Criteria: ACMG Guidelines, 2015. Collection method: clinical testing. Allele origin: germline.

Ambry Genetics
Classification: Likely benign for Inborn genetic diseases. Last evaluated: 2019-07-11. Review status: criteria provided, single submitter. Criteria: Ambry Variant Classification Scheme 2023. Collection method: clinical testing. Allele origin: germline.

Illumina Laboratory Services, Illumina
Classification: Benign for Metatropic dysplasia. Last evaluated: 2018-01-12. Review status: criteria provided, single submitter. Criteria: ICSL Variant Classification Criteria 13 December 2019. Collection method: clinical testing. Allele origin: germline.
Comment: This variant was observed in the ICSL laboratory as part of a predisposition screen in an ostensibly healthy population. It had not been previously curated by ICSL or reported in the Human Gene Mutation Database (HGMD: prior to June 1st, 2018), and was therefore a candidate for classification through an automated scoring system. Utilizing variant allele frequency, disease prevalence and penetrance estimates, and inheritance mode, an automated score was calculated to assess if this variant is too frequent to cause the disease. Based on the score and internal cut-off values, a variant classified as benign is not then subjected to further curation. The score for this variant resulted in a classification of benign for this disease.

Illumina Laboratory Services, Illumina
Classification: Benign for Brachyrachia (short spine dysplasia). Last evaluated: 2018-01-12. Review status: criteria provided, single submitter. Criteria: ICSL Variant Classification Criteria 13 December 2019. Collection method: clinical testing. Allele origin: germline.
Comment: the same text as in the submission from Illumina Laboratory Services, Illumina above.

Illumina Laboratory Services, Illumina
Classification: Benign for Scapuloperoneal spinal muscular atrophy. Last evaluated: 2018-01-12. Review status: criteria provided, single submitter. Criteria: ICSL Variant Classification Criteria 13 December 2019. Collection method: clinical testing. Allele origin: germline.
Comment: the same text as in the submission from Illumina Laboratory Services, Illumina above.

Illumina Laboratory Services, Illumina
Classification: Benign for Spondylometaphyseal dysplasia, Kozlowski type. Last evaluated: 2018-01-12. Review status: criteria provided, single submitter. Criteria: ICSL Variant Classification Criteria 13 December 2019. Collection method: clinical testing. Allele origin: germline.
Comment: the same text as in the submission from Illumina Laboratory Services, Illumina above.

Illumina Laboratory Services, Illumina
Classification: Benign for Charcot-Marie-Tooth disease axonal type 2C. Last evaluated: 2018-01-12. Review status: criteria provided, single submitter. Criteria: ICSL Variant Classification Criteria 13 December 2019. Collection method: clinical testing. Allele origin: germline.
Comment: the same text as in the submission from Illumina Laboratory Services, Illumina above.

Illumina Laboratory Services, Illumina
Classification: Benign for Neuronopathy, distal hereditary motor, autosomal dominant 8. Last evaluated: 2018-01-12. Review status: criteria provided, single submitter. Criteria: ICSL Variant Classification Criteria 13 December 2019. Collection method: clinical testing. Allele origin: germline.
Comment: the same text as in the submission from Illumina Laboratory Services, Illumina above.

Athena Diagnostics
Classification: Benign. Last evaluated: 2017-10-16. Review status: criteria provided, single submitter. Criteria: Athena Diagnostics Criteria. Collection method: clinical testing. Allele origin: germline.

Mayo Clinic Laboratories, Mayo Clinic
Classification: Benign. Last evaluated: 2016-06-09. Review status: criteria provided, single submitter. Criteria: ACMG Guidelines, 2015. Collection method: clinical testing. Allele origin: germline. Observed: 44 variant alleles.

GeneDx
Classification: Benign. Last evaluated: 2015-03-03. Review status: criteria provided, single submitter. Criteria: GeneDx Variant Classification Process June 2021. Collection method: clinical testing. Allele origin: germline. Affected: yes.

Eurofins Ntd Llc (ga)
Classification: Benign. Last evaluated: 2014-12-17. Review status: criteria provided, single submitter. Criteria: EGL Classification Definitions 2015. Collection method: clinical testing. Allele origin: germline. Observed: 1 variant allele, 1 heterozygote.

Breakthrough Genomics
Classification: Benign. Review status: criteria provided, single submitter. Criteria: ACMG Guidelines, 2015. Collection method: not provided. Allele origin: germline. Inheritance: Autosomal dominant inheritance. Affected: yes.

Molecular Genetics Laboratory, London Health Sciences Centre
Classification: Benign for Charcot-Marie-Tooth disease. Review status: criteria provided, single submitter. Criteria: ACMG Guidelines, 2015. Collection method: clinical testing. Allele origin: germline. Affected: yes.

PreventionGenetics, part of Exact Sciences
Classification: Benign. Review status: criteria provided, single submitter. Criteria: ACMG Guidelines, 2015. Collection method: clinical testing. Allele origin: germline.

Clinical Genetics, Academic Medical Center
Classification: Benign. Review status: no assertion criteria provided. Collection method: clinical testing. Allele origin: germline. Affected: yes. Study: VKGL Data-share Consensus. Not counted in ClinVar's aggregate classification.

Joint Genome Diagnostic Labs from Nijmegen and Maastricht, Radboudumc and MUMC+
Classification: Benign. Review status: no assertion criteria provided. Collection method: clinical testing. Allele origin: germline. Affected: yes. Study: VKGL Data-share Consensus. Not counted in ClinVar's aggregate classification.

Literature cited by the submitters: PubMed 22851605 (cited by Athena Diagnostics).